The following is an entry in ClinVar:

NM_001991.5(EZH1):c.2017+5G>A

Gene: EZH1 (enhancer of zeste 1 polycomb repressive complex 2 subunit; minus strand). Cytogenetic location: 17q21.2.
Variant type: single nucleotide variant.
Coding change: c.2017+5G>A on transcript NM_001991.5 (MANE Select); 5 bases into the intron after coding-DNA position 2017, G replaced by A.
Molecular consequence: intron variant.
Genome position (GRCh38, 1-based): chr17:42,704,597, C>T on the plus strand (G>A on the coding strand, the complement: EZH1 is on the minus strand). VCF-style: chr17-42704597-C-T. GRCh37 (hg19) VCF-style: chr17-40856615-C-T.
Other names: c.2035+5G>A (NM_001321079.2); c.1990+5G>A (NM_001321081.2); c.1897+5G>A (NM_001321082.2).
Identifiers: ClinVar variation 3392752 (VCV003392752.1).
Genomic context (GRCh38, chr17:42,704,597, plus strand): 5'-GACTCCGTCTCAAAAAAAGAAAAAAAAAAAAGACCACCTTGGGATGAGACAAAGTGACTT[C>T]ATACCATTATTGAGGTTGAAGAGGAAGCTGGACATGTATTTGTCATAGACCTTTCCGCGT-3'

ClinVar aggregate classification (germline): Uncertain significance (1 of 4 stars; one submission).

gnomAD v4.1: 1 of 1,609,732 alleles (0.000062%); highest among the groups gnomAD compares: Admixed American, 0.0017%; no homozygotes.

Submission:

GeneDx
Classification: Uncertain significance. Last evaluated: 2024-06-25. Review status: criteria provided, single submitter. Criteria: GeneDx Variant Classification Process June 2021. Collection method: clinical testing. Allele origin: germline. Affected: yes.
Comment: Has not been previously published as pathogenic or benign to our knowledge; In silico analysis suggests this variant may impact gene splicing. In the absence of RNA/functional studies, the actual effect of this sequence change is unknown.